The following is an entry in ClinVar:

ClinVar aggregate classification (germline): Uncertain significance (1 of 4 stars; one submission).

gnomAD v4.1: 6 of 1,612,522 alleles (0.00037%); highest among the groups gnomAD compares: East Asian, 0.013%; no homozygotes.

Submission:

GeneDx
Classification: Uncertain significance. Last evaluated: 2024-08-28. Review status: criteria provided, single submitter. Criteria: GeneDx Variant Classification Process June 2021. Collection method: clinical testing. Allele origin: germline. Affected: yes.
Comment: Not observed at significant frequency in large population cohorts (gnomAD); Missense variant in a gene in which most reported pathogenic variants are truncating/loss of function; Has not been previously published as pathogenic or benign to our knowledge

NM_001267550.2(TTN):c.102185T>G (p.Met34062Arg)

Genes: TTN (titin; minus strand), TTN-AS1 (TTN antisense RNA 1; plus strand). Cytogenetic location: 2q31.2.
Variant type: single nucleotide variant.
Coding change: c.102185T>G on transcript NM_001267550.2 (MANE Select); coding-DNA position 102185, T replaced by G.
Protein change: p.Met34062Arg; replaces methionine 34062 with arginine.
Molecular consequence: missense variant.
Genome position (GRCh38, 1-based): chr2:178,534,430, A>C on the plus strand (T>G on the coding strand, the complement: TTN is on the minus strand). VCF-style: chr2-178534430-A-C. GRCh37 (hg19) VCF-style: chr2-179399157-A-C.
Other names: c.97262T>G, p.Met32421Arg (NM_001256850.1); c.74990T>G, p.Met24997Arg (NM_003319.4); c.94481T>G, p.Met31494Arg (NM_133378.4); c.75365T>G, p.Met25122Arg (NM_133432.3); c.75566T>G, p.Met25189Arg (NM_133437.4); short protein forms M24997R, M25122R, M25189R, M31494R, M32421R, M34062R.
Identifiers: ClinVar variation 3766059 (VCV003766059.1).